The following is an entry in ClinVar:

ClinVar aggregate classification (germline): Uncertain significance (1 of 4 stars; one submission).

Conditions:
Hereditary cancer-predisposing syndrome. Also called: Neoplastic Syndromes, Hereditary; Tumor predisposition; Hereditary Cancer Syndrome; Hereditary neoplastic syndrome. Identifiers: Orphanet 140162, MedGen C0027672, MeSH D009386, MONDO:0015356.

Submission:

Labcorp Genetics (formerly Invitae), Labcorp
Classification: Uncertain significance for Hereditary cancer-predisposing syndrome. Last evaluated: 2021-03-12. Review status: criteria provided, single submitter. Criteria: Invitae Variant Classification Sherloc (09022015). Collection method: clinical testing. Allele origin: germline.
Comment: Experimental studies and prediction algorithms are not available for this variant, and the functional significance of the deleted amino acid is currently unknown. This variant is not present in population databases (ExAC no frequency) and has not been reported in the literature in individuals with a RAD50-related disease. This sequence change deletes 3 nucleotides from exon 9 of the RAD50 mRNA (c.1279_1281delAAA). This leads to the deletion of 1 amino acid residue in the RAD50 protein (p.Lys427del) but otherwise preserves the integrity of the reading frame. In summary, this variant is a novel in-frame change with uncertain impact on protein function. It has been classified as a Variant of Uncertain Significance.

NM_005732.4(RAD50):c.1279_1281del (p.Lys427del)

Gene: RAD50 (RAD50 double strand break repair protein; plus strand). Cytogenetic location: 5q31.1.
Variant type: Deletion.
Coding change: c.1279_1281del on transcript NM_005732.4 (MANE Select); coding-DNA positions 1279 to 1281, 3 bases deleted (AAA; older notation c.1279_1281delAAA).
Protein change: p.Lys427del; deletes lysine 427.
Molecular consequence: inframe deletion.
Genome position (GRCh38, 1-based): chr5:132,589,664-132,589,666, AAA deleted; deleting any 3 consecutive bases within chr5:132,589,662-132,589,666 gives the same sequence; the c. name uses the placement nearest the transcript's 3' end. VCF-style (leftmost placement, unchanged base first): chr5-132589661-CAAA-C. GRCh37 (hg19) VCF-style: chr5-131925353-CAAA-C.
Other names: short protein forms K427del.
Identifiers: ClinVar variation 457371 (VCV000457371.9), dbSNP rs1554098307, ClinGen allele CA658657505.